The following is an entry in ClinVar:

NM_024642.5(GALNT12):c.318C>T (p.Tyr106=)

Gene: GALNT12 (polypeptide N-acetylgalactosaminyltransferase 12; plus strand). Cytogenetic location: 9q22.33.
Variant type: single nucleotide variant.
Coding change: c.318C>T on transcript NM_024642.5 (MANE Select); coding-DNA position 318, C replaced by T.
Protein change: p.Tyr106=; no amino-acid change (tyrosine 106 retained).
Molecular consequence: synonymous variant.
Genome position (GRCh38, 1-based): chr9:98,808,016, C>T. VCF-style: chr9-98808016-C-T. GRCh37 (hg19) VCF-style: chr9-101570298-C-T.
Identifiers: ClinVar variation 485684 (VCV000485684.6), dbSNP rs1444339435, ClinGen allele CA466647607.

ClinVar aggregate classification (germline): Benign/Likely benign. Review status: criteria provided, multiple submitters, no conflicts (2 of 4 stars). 2 submissions from 2 submitters: Benign (1); Likely benign (1). Last evaluated 2026-04-23.

Conditions:
Colorectal cancer, susceptibility to, 1. Also called: COLORECTAL ADENOMA AND CANCER, SUSCEPTIBILITY TO; COLORECTAL CANCER, SUSCEPTIBILITY TO, ON CHROMOSOME 9. Identifiers: MedGen C1837315, MONDO:0012132, OMIM 608812.

Allele frequency attached by ClinVar (database versions not stated): TOPMed below 0.00001; gnomAD 0.00001.

Submissions (2):

Myriad Genetics, Inc.
Classification: Benign for Colorectal cancer, susceptibility to, 1. Last evaluated: 2026-04-23. Review status: criteria provided, single submitter. Criteria: Myriad Autosomal Dominant, Autosomal Recessive and X-Linked Classification Criteria (2023). Collection method: clinical testing. Allele origin: unknown.
Comment: This variant is considered benign. This variant is a silent/synonymous amino acid change and it is not expected to impact splicing.

Ambry Genetics
Classification: Likely benign. Last evaluated: 2017-07-20. Review status: criteria provided, single submitter. Criteria: Ambry Variant Classification Scheme 2023. Collection method: clinical testing. Allele origin: germline.